The following is an entry in ClinVar:

ClinVar aggregate classification (germline): Pathogenic/Likely pathogenic. Review status: criteria provided, multiple submitters, no conflicts (2 of 4 stars). 2 submissions from 2 submitters: Pathogenic (1); Likely pathogenic (1). Last evaluated 2025-05-13.

Conditions:
Usher syndrome type 2A. Also called: RETINAL DISEASE IN USHER SYNDROME TYPE IIA, MODIFIER OF; USHER SYNDROME, TYPE IIA. Identifiers: Orphanet 231178, Orphanet 886, MedGen C1848634, MONDO:0010169, OMIM 276901.
USH2A-related disorder. Also called: USH2A-related condition; USH2A-related disorders. Identifiers: MedGen CN239332.

Submissions (2):

Myriad Genetics, Inc.
Classification: Pathogenic for USH2A-related disorder. Last evaluated: 2025-05-13. Review status: criteria provided, single submitter. Criteria: Myriad Autosomal Dominant, Autosomal Recessive and X-Linked Classification Criteria (2023). Collection method: clinical testing. Allele origin: unknown.
Comment: NM_206933.2(USH2A):c.3058C>T(Q1020*) is expected to be pathogenic in the context of USH2A-related disorders. This variant is predicted to lead to an abnormal or absent protein product due to the creation of a premature termination codon in USH2A, a gene where loss-of-function variants are known to be pathogenic. Please note: this variant was assessed in the context of healthy population screening.

Natera, Inc.
Classification: Likely pathogenic for Usher syndrome type 2A. Last evaluated: 2024-03-15. Review status: criteria provided, single submitter. Criteria: Natera Variant Classification Schema (03/2026). Collection method: clinical testing. Allele origin: germline.
Comment: The c.3058C>T variant in USH2A is a nonsense variant predicted to introduce a stop codon at amino acid 1020. This variant is expected to result in nonsense mediated decay, truncation, or a dysfunctional protein product. This variant is rare in the general population with a frequency below the threshold expected for the associated phenotype(s). Given the available evidence, this variant is classified as Likely Pathogenic.

NM_206933.4(USH2A):c.3058C>T (p.Gln1020Ter)

Genes: USH2A (usherin; minus strand), USH2A-AS1 (USH2A antisense RNA 1; plus strand). Cytogenetic location: 1q41.
Variant type: single nucleotide variant.
Coding change: c.3058C>T on transcript NM_206933.4 (MANE Select); coding-DNA position 3058, C replaced by T.
Protein change: p.Gln1020Ter; replaces glutamine 1020 with a stop codon.
Molecular consequence: nonsense.
Genome position (GRCh38, 1-based): chr1:216,217,486, G>A on the plus strand (C>T on the coding strand, the complement: USH2A is on the minus strand). VCF-style: chr1-216217486-G-A. GRCh37 (hg19) VCF-style: chr1-216390828-G-A.
Other names: c.3058C>T, p.Gln1020Ter (NM_007123.6); short protein forms Q1020*.
Identifiers: ClinVar variation 4817112 (VCV004817112.2).
Genomic context (GRCh38, chr1:216,217,486, plus strand): 5'-TTGCACTGGGAACACAAGCATCACACTTTGAGCCAGTGACAAATTGTTTACAGAAACACT[G>A]GCCTGTGACCAAGTGACAGGTTTCATTCAAGGCTCCTGAGAGATGACAATTACAAGGCTG-3'